The following is an entry in ClinVar:

ClinVar aggregate classification (germline): Uncertain significance (1 of 4 stars; one submission).

Conditions:
Inborn genetic diseases. Identifiers: MedGen C0950123, MeSH D030342.

gnomAD v4.1: 76 of 1,612,984 alleles (0.0047%); highest among the groups gnomAD compares: African/African-American, 0.085%; no homozygotes.

Submission:

Ambry Genetics
Classification: Uncertain significance for Inborn genetic diseases. Last evaluated: 2025-02-24. Review status: criteria provided, single submitter. Criteria: Ambry Variant Classification Scheme 2023. Collection method: clinical testing. Allele origin: germline.
Comment: The c.4387+6G>A intronic alteration consists of a G to A substitution nucleotides after coding exon 15 in the CAMSAP1 gene. Based on insufficient or conflicting evidence, the clinical significance of this alteration remains unclear.

NM_015447.4(CAMSAP1):c.4387+6G>A

Gene: CAMSAP1 (calmodulin regulated spectrin associated protein 1; minus strand). Cytogenetic location: 9q34.3.
Variant type: single nucleotide variant.
Coding change: c.4387+6G>A on transcript NM_015447.4 (MANE Select); 6 bases into the intron after coding-DNA position 4387, G replaced by A.
Molecular consequence: intron variant.
Genome position (GRCh38, 1-based): chr9:135,815,884, C>T on the plus strand (G>A on the coding strand, the complement: CAMSAP1 is on the minus strand). VCF-style: chr9-135815884-C-T. GRCh37 (hg19) VCF-style: chr9-138707730-C-T.
Other names: c.3553+6G>A (NM_001411031.1).
Identifiers: ClinVar variation 3827056 (VCV003827056.1).